The following is an entry in ClinVar:

NM_144997.7(FLCN):c.1689A>G (p.Ser563=)

Gene: FLCN (folliculin; minus strand). Cytogenetic location: 17p11.2.
Variant type: single nucleotide variant.
Coding change: c.1689A>G on transcript NM_144997.7 (MANE Select); coding-DNA position 1689, A replaced by G.
Protein change: p.Ser563=; no amino-acid change (serine 563 retained).
Molecular consequence: synonymous variant.
Genome position (GRCh38, 1-based): chr17:17,213,706, T>C on the plus strand (A>G on the coding strand, the complement: FLCN is on the minus strand). VCF-style: chr17-17213706-T-C. GRCh37 (hg19) VCF-style: chr17-17117020-T-C.
Other names: c.1689A>G, p.Ser563= (NM_001353231.2, NM_001353230.2); c.1743A>G, p.Ser581= (NM_001353229.2).
Identifiers: ClinVar variation 2090998 (VCV002090998.6), dbSNP rs1393898992, ClinGen allele CA498163053.

ClinVar aggregate classification (germline): Benign/Likely benign. Review status: criteria provided, multiple submitters, no conflicts (2 of 4 stars). 3 submissions from 3 submitters: Benign (1); Likely benign (2). Last evaluated 2026-02-04.

Conditions:
Birt-Hogg-Dube syndrome 1 (BHD1). Also called: FIBROFOLLICULOMAS WITH TRICHODISCOMAS AND ACROCHORDONS. Identifiers: Orphanet 122, MedGen CN375946, MONDO:0800445, OMIM 135150.
Birt-Hogg-Dube syndrome. Also called: Birt Hogg Dubé syndrome. Identifiers: Orphanet 122, MedGen C0346010, MONDO:0800444.
Hereditary cancer-predisposing syndrome. Also called: Tumor predisposition; Neoplastic Syndromes, Hereditary; Hereditary neoplastic syndrome; Hereditary Cancer Syndrome. Identifiers: Orphanet 140162, MedGen C0027672, MeSH D009386, MONDO:0015356.

Allele frequency attached by ClinVar (database versions not stated): gnomAD exomes below 0.00001.
gnomAD v4.1: 1 of 1,614,176 alleles (0.000062%); highest among the groups gnomAD compares: East Asian, 0.0022%; no homozygotes.

Submissions (3):

Labcorp Genetics (formerly Invitae), Labcorp
Classification: Likely benign for Birt-Hogg-Dube syndrome. Last evaluated: 2026-02-04. Review status: criteria provided, single submitter. Criteria: Invitae Variant Classification Sherloc (09022015). Collection method: clinical testing. Allele origin: germline.

Ambry Genetics
Classification: Likely benign for Hereditary cancer-predisposing syndrome. Last evaluated: 2025-10-15. Review status: criteria provided, single submitter. Criteria: Ambry Variant Classification Scheme 2023. Collection method: clinical testing. Allele origin: germline.

Myriad Genetics, Inc.
Classification: Benign for Birt-Hogg-Dube syndrome 1. Last evaluated: 2024-10-28. Review status: criteria provided, single submitter. Criteria: Myriad Autosomal Dominant, Autosomal Recessive and X-Linked Classification Criteria (2023). Collection method: clinical testing. Allele origin: unknown.
Comment: This variant is considered benign. This variant is a silent/synonymous amino acid change and it is not expected to impact splicing.